The following is an entry in ClinVar:

NM_001376.5(DYNC1H1):c.8038A>G (p.Ile2680Val)

Gene: DYNC1H1 (dynein cytoplasmic 1 heavy chain 1; plus strand). Cytogenetic location: 14q32.31.
Variant type: single nucleotide variant.
Coding change: c.8038A>G on transcript NM_001376.5 (MANE Select); coding-DNA position 8038, A replaced by G.
Protein change: p.Ile2680Val; replaces isoleucine 2680 with valine.
Molecular consequence: missense variant.
Genome position (GRCh38, 1-based): chr14:102,017,277, A>G. VCF-style: chr14-102017277-A-G. GRCh37 (hg19) VCF-style: chr14-102483614-A-G.
Other names: short protein forms I2680V.
Identifiers: ClinVar variation 1005213 (VCV001005213.8), dbSNP rs1308813075, ClinGen allele CA391004044.

ClinVar aggregate classification (germline): Uncertain significance (1 of 4 stars; one submission).

Conditions:
Charcot-Marie-Tooth disease axonal type 2O. Also called: CHARCOT-MARIE-TOOTH NEUROPATHY, AXONAL, TYPE 2O; CHARCOT-MARIE-TOOTH DISEASE, AXONAL, AUTOSOMAL DOMINANT, TYPE 2O; Charcot-Marie-Tooth Neuropathy Type 2O; Charcot-Marie-Tooth disease, axonal, type 20. Identifiers: Orphanet 284232, MedGen C3280220, MONDO:0013644, OMIM 614228.

Allele frequency attached by ClinVar (database versions not stated): gnomAD exomes below 0.00001; TOPMed below 0.00001; gnomAD 0.00001.
gnomAD v4.1: 2 of 1,614,166 alleles (0.00012%); highest among the groups gnomAD compares: Non-Finnish European, 0.00017%; no homozygotes.

Submission:

Labcorp Genetics (formerly Invitae), Labcorp
Classification: Uncertain significance for Charcot-Marie-Tooth disease axonal type 2O. Last evaluated: 2025-12-05. Review status: criteria provided, single submitter. Criteria: Invitae Variant Classification Sherloc (09022015). Collection method: clinical testing. Allele origin: germline.
Comment: This sequence change replaces isoleucine, which is neutral and non-polar, with valine, which is neutral and non-polar, at codon 2680 of the DYNC1H1 protein (p.Ile2680Val). This variant is not present in population databases (gnomAD no frequency). This variant has not been reported in the literature in individuals affected with DYNC1H1-related conditions. ClinVar contains an entry for this variant (Variation ID: 1005213). Invitae Evidence Modeling of protein sequence and biophysical properties (such as structural, functional, and spatial information, amino acid conservation, physicochemical variation, residue mobility, and thermodynamic stability) indicates that this missense variant is not expected to disrupt DYNC1H1 protein function with a negative predictive value of 95%. In summary, the available evidence is currently insufficient to determine the role of this variant in disease. Therefore, it has been classified as a Variant of Uncertain Significance.